The following is an entry in ClinVar:

ClinVar aggregate classification (germline): Uncertain significance (1 of 4 stars; one submission).

Conditions:
Neuroblastoma, susceptibility to, 3. Also called: ALK-Related Neuroblastic Tumor Susceptibility. Identifiers: Orphanet 635, MedGen C2751681, MONDO:0013083, OMIM 613014.

Submission:

Labcorp Genetics (formerly Invitae), Labcorp
Classification: Uncertain significance for Neuroblastoma, susceptibility to, 3. Last evaluated: 2024-10-15. Review status: criteria provided, single submitter. Criteria: Invitae Variant Classification Sherloc (09022015). Collection method: clinical testing. Allele origin: germline.
Comment: This sequence change replaces phenylalanine, which is neutral and non-polar, with serine, which is neutral and polar, at codon 441 of the ALK protein (p.Phe441Ser). This variant is not present in population databases (gnomAD no frequency). This variant has not been reported in the literature in individuals affected with ALK-related conditions. An algorithm developed to predict the effect of missense changes on protein structure and function (PolyPhen-2) suggests that this variant is likely to be disruptive. In summary, the available evidence is currently insufficient to determine the role of this variant in disease. Therefore, it has been classified as a Variant of Uncertain Significance.

NM_004304.5(ALK):c.1322T>C (p.Phe441Ser)

Gene: ALK (ALK receptor tyrosine kinase; minus strand). Cytogenetic location: 2p23.2.
Variant type: single nucleotide variant.
Coding change: c.1322T>C on transcript NM_004304.5 (MANE Select); coding-DNA position 1322, T replaced by C.
Protein change: p.Phe441Ser; replaces phenylalanine 441 with serine.
Molecular consequence: missense variant.
Genome position (GRCh38, 1-based): chr2:29,328,442, A>G on the plus strand (T>C on the coding strand, the complement: ALK is on the minus strand). VCF-style: chr2-29328442-A-G. GRCh37 (hg19) VCF-style: chr2-29551308-A-G.
Other names: short protein forms F441S.
Identifiers: ClinVar variation 3697828 (VCV003697828.2).